The following is an entry in ClinVar:

ClinVar aggregate classification (germline): Uncertain significance. Review status: criteria provided, multiple submitters, no conflicts (2 of 4 stars). 3 submissions from 3 submitters: Uncertain significance (3). Last evaluated 2022-09-16.

Conditions:
Cardiovascular phenotype. Identifiers: MedGen CN230736.
Lethal congenital glycogen storage disease of heart. Also called: GLYCOGEN STORAGE DISEASE OF HEART; PHOSPHORYLASE KINASE DEFICIENCY OF HEART. Identifiers: Orphanet 439854, MedGen C1849813, MONDO:0009867, OMIM 261740.

Allele frequency attached by ClinVar (database versions not stated): gnomAD 0.00001; TOPMed 0.00001.

Submissions (3):

Ambry Genetics
Classification: Uncertain significance for Cardiovascular phenotype. Last evaluated: 2022-09-16. Review status: criteria provided, single submitter. Criteria: Ambry Variant Classification Scheme 2023. Collection method: clinical testing. Allele origin: germline.
Comment: The p.G22S variant (also known as c.64G>A), located in coding exon 1 of the PRKAG2 gene, results from a G to A substitution at nucleotide position 64. The glycine at codon 22 is replaced by serine, an amino acid with similar properties. This amino acid position is conserved. In addition, this alteration is predicted to be tolerated by in silico analysis. Since supporting evidence is limited at this time, the clinical significance of this alteration remains unclear.

Labcorp Genetics (formerly Invitae), Labcorp
Classification: Uncertain significance for Lethal congenital glycogen storage disease of heart. Last evaluated: 2021-11-14. Review status: criteria provided, single submitter. Criteria: Invitae Variant Classification Sherloc (09022015). Collection method: clinical testing. Allele origin: germline.
Comment: In summary, the available evidence is currently insufficient to determine the role of this variant in disease. Therefore, it has been classified as a Variant of Uncertain Significance. Advanced modeling of protein sequence and biophysical properties (such as structural, functional, and spatial information, amino acid conservation, physicochemical variation, residue mobility, and thermodynamic stability) performed at Invitae indicates that this missense variant is not expected to disrupt PRKAG2 protein function. ClinVar contains an entry for this variant (Variation ID: 392511). This variant has not been reported in the literature in individuals affected with PRKAG2-related conditions. This variant is not present in population databases (gnomAD no frequency). This sequence change replaces glycine, which is neutral and non-polar, with serine, which is neutral and polar, at codon 22 of the PRKAG2 protein (p.Gly22Ser).

GeneDx
Classification: Uncertain significance. Last evaluated: 2017-01-07. Review status: criteria provided, single submitter. Criteria: GeneDx Variant Classification (06012015). Collection method: clinical testing. Allele origin: germline. Affected: yes.
Comment: A variant of uncertain significance has been identified in the PRKAG2 gene. The G22S variant has notbeen published as a pathogenic variant, nor has it been reported as a benign variant to our knowledge.This variant was not observed in approximately 6,500 individuals of European and African Americanancestry in the NHLBI Exome Sequencing Project, indicating it is not a common benign variant inthese populations. The G22S variant is a non-conservative amino acid substitution, which is likely toimpact secondary protein structure as these residues differ in polarity, charge, size and/or otherproperties. However, this substitution occurs at a position that is not conserved across species, andSerine is the wild-type amino acid at this position in at least two species. Furthermore 2/3 in silicoalgorithms predict this variant likely does not alter the protein structure/function.Therefore, based on the currently available information, it is unclear whether this variant ispathogenic or benign.

NM_016203.4(PRKAG2):c.64G>A (p.Gly22Ser)

Gene: PRKAG2 (protein kinase AMP-activated non-catalytic subunit gamma 2; minus strand). Cytogenetic location: 7q36.1.
Variant type: single nucleotide variant.
Coding change: c.64G>A on transcript NM_016203.4 (MANE Select); coding-DNA position 64, G replaced by A.
Protein change: p.Gly22Ser; replaces glycine 22 with serine.
Molecular consequence: missense variant.
Genome position (GRCh38, 1-based): chr7:151,876,557, C>T on the plus strand (G>A on the coding strand, the complement: PRKAG2 is on the minus strand). VCF-style: chr7-151876557-C-T. GRCh37 (hg19) VCF-style: chr7-151573642-C-T.
Other names: short protein forms G22S.
Identifiers: ClinVar variation 392511 (VCV000392511.9), dbSNP rs1057524523, ClinGen allele CA16605293.